The following is an entry in ClinVar:

NM_001369.3(DNAH5):c.1147A>C (p.Ile383Leu)

Gene: DNAH5 (dynein axonemal heavy chain 5; minus strand). Cytogenetic location: 5p15.2.
Variant type: single nucleotide variant.
Coding change: c.1147A>C on transcript NM_001369.3 (MANE Select); coding-DNA position 1147, A replaced by C.
Protein change: p.Ile383Leu; replaces isoleucine 383 with leucine.
Molecular consequence: missense variant.
Genome position (GRCh38, 1-based): chr5:13,916,398, T>G on the plus strand (A>C on the coding strand, the complement: DNAH5 is on the minus strand). VCF-style: chr5-13916398-T-G. GRCh37 (hg19) VCF-style: chr5-13916507-T-G.
Other names: short protein forms I383L.
Identifiers: ClinVar variation 4623482 (VCV004623482.1).

ClinVar aggregate classification (germline): Uncertain significance (1 of 4 stars; one submission).

Conditions:
Primary ciliary dyskinesia. Also called: Ciliary dyskinesia. Identifiers: Orphanet 244, MedGen C0008780, MONDO:0016575, HP:0012265.

Submission:

Ambry Genetics
Classification: Uncertain significance for Primary ciliary dyskinesia. Last evaluated: 2025-09-27. Review status: criteria provided, single submitter. Criteria: Ambry Variant Classification Scheme 2023. Collection method: clinical testing. Allele origin: germline.
Comment: The p.I383L variant (also known as c.1147A>C), located in coding exon 9 of the DNAH5 gene, results from an A to C substitution at nucleotide position 1147. The isoleucine at codon 383 is replaced by leucine, an amino acid with highly similar properties. This amino acid position is conserved. In addition, this alteration is predicted to be tolerated by in silico analysis. Based on the available evidence, the clinical significance of this variant remains unclear.